The following is an entry in ClinVar:

NM_000540.3(RYR1):c.5962G>A (p.Ala1988Thr)

Gene: RYR1 (ryanodine receptor 1; plus strand). Cytogenetic location: 19q13.2.
Variant type: single nucleotide variant.
Coding change: c.5962G>A on transcript NM_000540.3 (MANE Select); coding-DNA position 5962, G replaced by A.
Protein change: p.Ala1988Thr; replaces alanine 1988 with threonine.
Molecular consequence: missense variant.
Genome position (GRCh38, 1-based): chr19:38,490,223, G>A. VCF-style: chr19-38490223-G-A. GRCh37 (hg19) VCF-style: chr19-38980863-G-A.
Other names: c.5962G>A, p.Ala1988Thr (NM_001042723.2); short protein forms A1988T.
Identifiers: ClinVar variation 1009361 (VCV001009361.10), dbSNP rs763360938, ClinGen allele CA067593.
Genomic context (GRCh38, chr19:38,490,223, plus strand): 5'-AAGCTCCAGGCCAACCAGCGGAGCCGCTATGGCCTCCTCATAAAAGCCTTCAGCATGACC[G>A]CAGCAGAGACTGCAAGACGTACCCGCGAGTTCCGCTCCCCACCCCAGGAACAGGTCATCT-3'
Protein context (NP_000531.2, residues 1978-1998): GLLIKAFSMT[Ala1988Thr]AETARRTREF

ClinVar aggregate classification (germline): Uncertain significance. Review status: criteria provided, multiple submitters, no conflicts (2 of 4 stars). 3 submissions from 3 submitters: Uncertain significance (3). Last evaluated 2025-07-28.

Conditions:
RYR1-related disorder. Also called: RYR1-related disorders; RYR1-related condition. Identifiers: MedGen CN239331.
Congenital myopathy with fiber type disproportion. Also called: Congenital fiber-type disproportion myopathy; Congenital fiber-type disproportion. Identifiers: Orphanet 2020, MedGen C0546264, MONDO:0009711. Inheritance: all.
Central core myopathy (CMYO1A). Also called: CONGENITAL MYOPATHY 1A, AUTOSOMAL DOMINANT, WITH SUSCEPTIBILITY TO MALIGNANT HYPERTHERMIA; Central core disease; Myopathy, central fibrillar. Identifiers: Orphanet 597, MedGen C5830701, MONDO:0007294, OMIM 117000.
Myopathy, RYR1-associated.
Malignant hyperthermia, susceptibility to, 1 (MHS1). Also called: Malignant hyperthermia suceptibility 1; RYR1-Related Malignant Hyperthermia Susceptibility; Anesthesia related hyperthermia; Malignant hyperpyrexia; Fulminating hyperpyrexia; Pharmacogenic myopathy. Identifiers: Orphanet 423, MedGen C2930980, MONDO:0007783, OMIM 145600.
Multiminicore myopathy. Identifiers: Orphanet 598, MedGen C0270962, MONDO:0018948.

Allele frequency attached by ClinVar (database versions not stated): ExAC 0.00001; gnomAD exomes 0.00001 and 0.00002; TOPMed 0.00001; gnomAD 0.00002 and 0.00003.
gnomAD v4.1: 28 of 1,614,056 alleles (0.0017%); highest among the groups gnomAD compares: South Asian, 0.0077%; no homozygotes.

Submissions (3):

Labcorp Genetics (formerly Invitae), Labcorp
Classification: Uncertain significance for RYR1-related disorder. Last evaluated: 2025-07-28. Review status: criteria provided, single submitter. Criteria: Invitae Variant Classification Sherloc (09022015). Collection method: clinical testing. Allele origin: germline.
Comment: This sequence change replaces alanine, which is neutral and non-polar, with threonine, which is neutral and polar, at codon 1988 of the RYR1 protein (p.Ala1988Thr). This variant is present in population databases (rs763360938, gnomAD 0.004%). This variant has not been reported in the literature in individuals affected with RYR1-related conditions. ClinVar contains an entry for this variant (Variation ID: 1009361). Invitae Evidence Modeling of protein sequence and biophysical properties (such as structural, functional, and spatial information, amino acid conservation, physicochemical variation, residue mobility, and thermodynamic stability) has been performed for this missense variant. However, the output from this modeling did not meet the statistical confidence thresholds required to predict the impact of this variant on RYR1 protein function. In summary, the available evidence is currently insufficient to determine the role of this variant in disease. Therefore, it has been classified as a Variant of Uncertain Significance.

Color Diagnostics, LLC DBA Color Health
Classification: Uncertain significance for Malignant hyperthermia, susceptibility to, 1. Last evaluated: 2023-11-15. Review status: criteria provided, single submitter. Criteria: ACMG Guidelines, 2015. Collection method: clinical testing. Allele origin: germline.
Comment: This missense variant replaces alanine with threonine at codon 1988 of the RYR1 protein. Computational prediction suggests that this variant may not impact protein structure and function. To our knowledge, functional studies have not been reported for this variant. This variant has not been reported in individuals affected with RYR1-related disorders in the literature. This variant has been identified in 4/282578 chromosomes in the general population by the Genome Aggregation Database (gnomAD). The available evidence is insufficient to determine the role of this variant in disease conclusively. Therefore, this variant is classified as a Variant of Uncertain Significance.

Revvity Omics, Revvity
Classification: Uncertain significance. Last evaluated: 2020-09-15. Review status: criteria provided, single submitter. Criteria: ACMG Guidelines, 2015. Collection method: clinical testing. Allele origin: germline.